The following is an entry in ClinVar:

NM_001009944.3(PKD1):c.7655C>G (p.Ala2552Gly)

Gene: PKD1 (polycystin 1, transient receptor potential channel interacting; minus strand). Cytogenetic location: 16p13.3.
Variant type: single nucleotide variant.
Coding change: c.7655C>G on transcript NM_001009944.3 (MANE Select); coding-DNA position 7655, C replaced by G.
Protein change: p.Ala2552Gly; replaces alanine 2552 with glycine.
Molecular consequence: missense variant.
Genome position (GRCh38, 1-based): chr16:2,106,139, G>C on the plus strand (C>G on the coding strand, the complement: PKD1 is on the minus strand). VCF-style: chr16-2106139-G-C. GRCh37 (hg19) VCF-style: chr16-2156140-G-C.
Other names: c.7655C>G, p.Ala2552Gly (NM_000296.4); c.7655C>G (NM_001009944.2); short protein forms A2552G.
Identifiers: ClinVar variation 805183 (VCV000805183.2), dbSNP rs1596539967, ClinGen allele CA394368347.

ClinVar aggregate classification (germline): Uncertain significance. Review status: criteria provided, multiple submitters, no conflicts (2 of 4 stars). 2 submissions from 2 submitters: Uncertain significance (2). Last evaluated 2025-07-06.

Submissions (2):

GeneDx
Classification: Uncertain significance. Last evaluated: 2025-07-06. Review status: criteria provided, single submitter. Criteria: GeneDx Variant Classification Process June 2021. Collection method: clinical testing. Allele origin: germline. Affected: yes.
Comment: Not observed at significant frequency in large population cohorts (gnomAD); In silico analysis suggests that this missense variant does not alter protein structure/function; Has not been previously published as pathogenic or benign to our knowledge

Athena Diagnostics
Classification: Uncertain significance. Last evaluated: 2018-12-17. Review status: criteria provided, single submitter. Criteria: Athena Diagnostics Criteria. Collection method: clinical testing. Allele origin: germline.